The following is an entry in ClinVar:

ClinVar aggregate classification (germline): Uncertain significance. Review status: criteria provided, multiple submitters, no conflicts (2 of 4 stars). 2 submissions from 2 submitters: Uncertain significance (2). Last evaluated 2024-01-15.

Conditions:
Inborn genetic diseases. Identifiers: MedGen C0950123, MeSH D030342.

Allele frequency attached by ClinVar (database versions not stated): TOPMed below 0.00001; ExAC 0.00003.
gnomAD v4.1: 13 of 1,614,150 alleles (0.00081%); highest among the groups gnomAD compares: South Asian, 0.0011%; no homozygotes.

Submissions (2):

Labcorp Genetics (formerly Invitae), Labcorp
Classification: Uncertain significance. Last evaluated: 2024-01-15. Review status: criteria provided, single submitter. Criteria: Invitae Variant Classification Sherloc (09022015). Collection method: clinical testing. Allele origin: germline.
Comment: This sequence change replaces tyrosine, which is neutral and polar, with histidine, which is basic and polar, at codon 1723 of the LRP2 protein (p.Tyr1723His). This variant is present in population databases (rs755544114, gnomAD 0.003%). This variant has not been reported in the literature in individuals affected with LRP2-related conditions. ClinVar contains an entry for this variant (Variation ID: 1384555). Advanced modeling of protein sequence and biophysical properties (such as structural, functional, and spatial information, amino acid conservation, physicochemical variation, residue mobility, and thermodynamic stability) performed at Invitae indicates that this missense variant is expected to disrupt LRP2 protein function with a positive predictive value of 95%. In summary, the available evidence is currently insufficient to determine the role of this variant in disease. Therefore, it has been classified as a Variant of Uncertain Significance.

Ambry Genetics
Classification: Uncertain significance for Inborn genetic diseases. Last evaluated: 2023-03-28. Review status: criteria provided, single submitter. Criteria: Ambry Variant Classification Scheme 2023. Collection method: clinical testing. Allele origin: germline.

NM_004525.3(LRP2):c.5167T>C (p.Tyr1723His)

Gene: LRP2 (LDL receptor related protein 2; minus strand). Cytogenetic location: 2q31.1.
Variant type: single nucleotide variant.
Coding change: c.5167T>C on transcript NM_004525.3 (MANE Select); coding-DNA position 5167, T replaced by C.
Protein change: p.Tyr1723His; replaces tyrosine 1723 with histidine.
Molecular consequence: missense variant.
Genome position (GRCh38, 1-based): chr2:169,231,774, A>G on the plus strand (T>C on the coding strand, the complement: LRP2 is on the minus strand). VCF-style: chr2-169231774-A-G. GRCh37 (hg19) VCF-style: chr2-170088284-A-G.
Other names: c.5167T>C (NM_004525.2); short protein forms Y1723H.
Identifiers: ClinVar variation 1384555 (VCV001384555.6), dbSNP rs755544114, ClinGen allele CA1954597.